The following is an entry in ClinVar:

ClinVar aggregate classification (germline): Likely benign (1 of 4 stars; one submission).

Allele frequency attached by ClinVar (database versions not stated): gnomAD 0.00001; TOPMed 0.00002.
gnomAD v4.1: 15 of 1,607,874 alleles (0.00093%); highest among the groups gnomAD compares: East Asian, 0.027%; no homozygotes.

Submission:

CeGaT Center for Human Genetics Tuebingen
Classification: Likely benign. Last evaluated: 2023-04-01. Review status: criteria provided, single submitter. Criteria: CeGaT Center For Human Genetics Tuebingen Variant Classification Criteria Version 2. Collection method: clinical testing. Allele origin: germline. Affected: yes. Observed: 1 variant allele.
Comment: SPTBN2: BP4, BP7

NM_006946.4(SPTBN2):c.3453A>G (p.Gly1151=)

Gene: SPTBN2 (spectrin beta, non-erythrocytic 2; minus strand). Cytogenetic location: 11q13.2.
Variant type: single nucleotide variant.
Coding change: c.3453A>G on transcript NM_006946.4 (MANE Select); coding-DNA position 3453, A replaced by G.
Protein change: p.Gly1151=; no amino-acid change (glycine 1151 retained).
Molecular consequence: synonymous variant.
Genome position (GRCh38, 1-based): chr11:66,700,646, T>C on the plus strand (A>G on the coding strand, the complement: SPTBN2 is on the minus strand). VCF-style: chr11-66700646-T-C. GRCh37 (hg19) VCF-style: chr11-66468117-T-C.
Identifiers: ClinVar variation 305564 (VCV000305564.29), dbSNP rs768932281, ClinGen allele CA6128862.
Genomic context (GRCh38, chr11:66,700,646, plus strand): 5'-GGCCTGGGCCAGGCGACCTTGCCGGCTCTCCCACATTCGGCCCAGCTCCTCCCAGCCAGT[T>C]CCCAGGGCCTCCAGTCGCTGTCGTAGGAAGAGGCACTGGGGGTCAGCCTGGTCCCGGGTC-3'
Protein context (NP_008877.2, residues 1141-1161): LFLRQRLEAL[Gly1151=]TGWEELGRMW